The following is an entry in ClinVar:

NM_206933.4(USH2A):c.12509G>A (p.Ser4170Asn)

Gene: USH2A (usherin; minus strand). Cytogenetic location: 1q41.
Variant type: single nucleotide variant.
Coding change: c.12509G>A on transcript NM_206933.4 (MANE Select); coding-DNA position 12509, G replaced by A.
Protein change: p.Ser4170Asn; replaces serine 4170 with asparagine.
Molecular consequence: missense variant.
Genome position (GRCh38, 1-based): chr1:215,675,402, C>T on the plus strand (G>A on the coding strand, the complement: USH2A is on the minus strand). VCF-style: chr1-215675402-C-T. GRCh37 (hg19) VCF-style: chr1-215848744-C-T.
Other names: short protein forms S4170N.
Identifiers: ClinVar variation 2814940 (VCV002814940.3), dbSNP rs1198287374, ClinGen allele CA344850754.

ClinVar aggregate classification (germline): Uncertain significance (1 of 4 stars; one submission).

Submission:

Labcorp Genetics (formerly Invitae), Labcorp
Classification: Uncertain significance. Last evaluated: 2022-11-17. Review status: criteria provided, single submitter. Criteria: Invitae Variant Classification Sherloc (09022015). Collection method: clinical testing. Allele origin: germline.
Comment: This sequence change replaces serine, which is neutral and polar, with asparagine, which is neutral and polar, at codon 4170 of the USH2A protein (p.Ser4170Asn). This variant is not present in population databases (gnomAD no frequency). This variant has not been reported in the literature in individuals affected with USH2A-related conditions. Advanced modeling of protein sequence and biophysical properties (such as structural, functional, and spatial information, amino acid conservation, physicochemical variation, residue mobility, and thermodynamic stability) performed at Invitae indicates that this missense variant is not expected to disrupt USH2A protein function. In summary, the available evidence is currently insufficient to determine the role of this variant in disease. Therefore, it has been classified as a Variant of Uncertain Significance.